The following is an entry in ClinVar:

ClinVar aggregate classification (germline): Likely pathogenic (1 of 4 stars; one submission).

Conditions:
Congenital hyperammonemia, type I. Also called: Carbamoyl phosphate synthetase I deficiency disease; Carbamoyl phosphate synthetase 1 deficiency; Hyperammonemia due to carbamoyl phosphate synthetase 1 deficiency; CPS 1 deficiency; Carbamyl phosphate synthetase (CPS) deficiency; Carbamoyl-phosphate synthase I deficiency. Identifiers: Orphanet 147, MedGen C4082171, MONDO:0009376, OMIM 237300.

Submission:

Myriad Genetics, Inc.
Classification: Likely pathogenic for Congenital hyperammonemia, type I. Last evaluated: 2019-10-18. Review status: criteria provided, single submitter. Criteria: Myriad Women's Health Autosomal Recessive and X-Linked Classification Criteria (2019). Collection method: clinical testing. Allele origin: unknown.
Comment: NM_001875.4(CPS1):c.2556T>A(Y852*) is expected to be pathogenic in the context of carbamoylphosphate synthetase I deficiency. This variant is predicted to lead to an abnormal or absent protein product due to the creation of a premature termination codon in CPS1, a gene where loss-of-function variants are known to be pathogenic. Please note: this variant was assessed in the context of healthy population screening.

NM_001875.5(CPS1):c.2556T>A (p.Tyr852Ter)

Gene: CPS1 (carbamoyl-phosphate synthase 1; plus strand). Cytogenetic location: 2q34.
Variant type: single nucleotide variant.
Coding change: c.2556T>A on transcript NM_001875.5 (MANE Select); coding-DNA position 2556, T replaced by A.
Protein change: p.Tyr852Ter; replaces tyrosine 852 with a stop codon.
Molecular consequence: nonsense. On other transcripts: non-coding transcript variant (2).
Genome position (GRCh38, 1-based): chr2:210,612,281, T>A. VCF-style: chr2-210612281-T-A. GRCh37 (hg19) VCF-style: chr2-211477005-T-A.
Other names: c.2556T>A, p.Tyr852Ter (NM_001122633.3, NM_001369257.1); c.2589T>A, p.Tyr863Ter (NM_001369256.1); short protein forms Y852*, Y863*.
Identifiers: ClinVar variation 983625 (VCV000983625.3), dbSNP rs1699157096, ClinGen allele CA350440582.